The following is an entry in ClinVar:

ClinVar aggregate classification (germline): Uncertain significance (1 of 4 stars; one submission).

Conditions:
Amyotrophic lateral sclerosis type 8 (ALS8). Identifiers: Orphanet 803, MedGen C1837728, MONDO:0012077, OMIM 608627.
Adult-onset proximal spinal muscular atrophy, autosomal dominant. Also called: FINKEL LATE-ADULT TYPE SMA; Spinal muscular atrophy, late-onset, finkel type. Identifiers: Orphanet 209335, MedGen C1854058, MONDO:0008453, OMIM 182980.

Allele frequency attached by ClinVar (database versions not stated): gnomAD exomes below 0.00001; TOPMed below 0.00001.
gnomAD v4.1: 3 of 1,614,240 alleles (0.00019%); highest among the groups gnomAD compares: South Asian, 0.0033%; no homozygotes.

Submission:

Labcorp Genetics (formerly Invitae), Labcorp
Classification: Uncertain significance for Adult-onset proximal spinal muscular atrophy, autosomal dominant; Amyotrophic lateral sclerosis type 8. Last evaluated: 2022-06-19. Review status: criteria provided, single submitter. Criteria: Invitae Variant Classification Sherloc (09022015). Collection method: clinical testing. Allele origin: germline.
Comment: This sequence change replaces leucine, which is neutral and non-polar, with proline, which is neutral and non-polar, at codon 227 of the VAPB protein (p.Leu227Pro). This variant is not present in population databases (gnomAD no frequency). This variant has not been reported in the literature in individuals affected with VAPB-related conditions. Algorithms developed to predict the effect of missense changes on protein structure and function are either unavailable or do not agree on the potential impact of this missense change (SIFT: "Not Available"; PolyPhen-2: "Benign"; Align-GVGD: "Not Available"). In summary, the available evidence is currently insufficient to determine the role of this variant in disease. Therefore, it has been classified as a Variant of Uncertain Significance.

NM_004738.5(VAPB):c.680T>C (p.Leu227Pro)

Gene: VAPB (VAMP associated protein B and C; plus strand). Cytogenetic location: 20q13.32.
Variant type: single nucleotide variant.
Coding change: c.680T>C on transcript NM_004738.5 (MANE Select); coding-DNA position 680, T replaced by C.
Protein change: p.Leu227Pro; replaces leucine 227 with proline.
Molecular consequence: missense variant. On other transcripts: 3 prime UTR variant (1), non-coding transcript variant (1).
Genome position (GRCh38, 1-based): chr20:58,444,183, T>C. VCF-style: chr20-58444183-T-C. GRCh37 (hg19) VCF-style: chr20-57019239-T-C.
Other names: c.*18T>C (NM_001195677.2); short protein forms L227P.
Identifiers: ClinVar variation 2039625 (VCV002039625.4), dbSNP rs1989223337, ClinGen allele CA409440315.
Genomic context (GRCh38, chr20:58,444,183, plus strand): 5'-CCATTTCAGCATTAGCCCCAACTGGGAAGGAAGAAGGCCTTAGCACCCGGCTCTTGGCTC[T>C]GGTGGTTTTGTTCTTTATCGTTGGTGTAATTATTGGGAAGATTGCCTTGTAGAGGTAGCA-3'
Protein context (NP_004729.1, residues 217-237): EEGLSTRLLA[Leu227Pro]VVLFFIVGVI